The following is an entry in ClinVar:

ClinVar aggregate classification (germline): Uncertain significance (1 of 4 stars; one submission).

Conditions:
Charcot-Marie-Tooth disease axonal type 2C (HMSN2C). Also called: CHARCOT-MARIE-TOOTH DISEASE, AXONAL, AUTOSOMAL DOMINANT, TYPE 2C; Charcot-Marie-Tooth Neuropathy Type 2C; Charcot-Marie-Tooth Disease Type 2, TRPV4-Related (CMT2C). Identifiers: Orphanet 99937, MedGen C1853710, MONDO:0011633, OMIM 606071.

gnomAD v4.1: 2 of 1,613,676 alleles (0.00012%); highest among the groups gnomAD compares: Non-Finnish European, 0.00017%; no homozygotes.

Submission:

Labcorp Genetics (formerly Invitae), Labcorp
Classification: Uncertain significance for Charcot-Marie-Tooth disease axonal type 2C. Last evaluated: 2024-06-25. Review status: criteria provided, single submitter. Criteria: Invitae Variant Classification Sherloc (09022015). Collection method: clinical testing. Allele origin: germline.
Comment: This sequence change replaces valine, which is neutral and non-polar, with leucine, which is neutral and non-polar, at codon 842 of the TRPV4 protein (p.Val842Leu). This variant is not present in population databases (gnomAD no frequency). This variant has not been reported in the literature in individuals affected with TRPV4-related conditions. Advanced modeling of protein sequence and biophysical properties (such as structural, functional, and spatial information, amino acid conservation, physicochemical variation, residue mobility, and thermodynamic stability) performed at Invitae indicates that this missense variant is not expected to disrupt TRPV4 protein function with a negative predictive value of 95%. In summary, the available evidence is currently insufficient to determine the role of this variant in disease. Therefore, it has been classified as a Variant of Uncertain Significance.

NM_021625.5(TRPV4):c.2524G>T (p.Val842Leu)

Gene: TRPV4 (transient receptor potential cation channel subfamily V member 4; minus strand). Cytogenetic location: 12q24.11.
Variant type: single nucleotide variant.
Coding change: c.2524G>T on transcript NM_021625.5 (MANE Select); coding-DNA position 2524, G replaced by T.
Protein change: p.Val842Leu; replaces valine 842 with leucine.
Molecular consequence: missense variant.
Genome position (GRCh38, 1-based): chr12:109,783,713, C>A on the plus strand (G>T on the coding strand, the complement: TRPV4 is on the minus strand). VCF-style: chr12-109783713-C-A. GRCh37 (hg19) VCF-style: chr12-110221518-C-A.
Other names: c.2383G>T, p.Val795Leu (NM_001177428.2); c.2422G>T, p.Val808Leu (NM_001177431.2); c.2203G>T, p.Val735Leu (NM_001177433.2); c.2344G>T, p.Val782Leu (NM_147204.3); short protein forms V782L, V795L, V735L, V808L, V842L.
Identifiers: ClinVar variation 3673910 (VCV003673910.2).